The following is an entry in ClinVar:

NM_181078.3(IL21R):c.1550G>A (p.Arg517Gln)

Genes: IL21R (interleukin 21 receptor; plus strand), IL21R-AS1 (IL21R antisense RNA 1; minus strand), LOC130058713 (ATAC-STARR-seq lymphoblastoid active region 10627; plus strand). Cytogenetic location: 16p12.1.
Variant type: single nucleotide variant.
Coding change: c.1550G>A on transcript NM_181078.3 (MANE Select); coding-DNA position 1550, G replaced by A.
Protein change: p.Arg517Gln; replaces arginine 517 with glutamine.
Molecular consequence: missense variant. On other transcripts: non-coding transcript variant (1).
Genome position (GRCh38, 1-based): chr16:27,449,216, G>A. VCF-style: chr16-27449216-G-A. GRCh37 (hg19) VCF-style: chr16-27460537-G-A.
Other names: c.1550G>A, p.Arg517Gln (NM_021798.4); c.1616G>A, p.Arg539Gln (NM_181079.5); short protein forms R517Q, R539Q.
Identifiers: ClinVar variation 858671 (VCV000858671.10), dbSNP rs761950657, ClinGen allele CA7975227.
Genomic context (GRCh38, chr16:27,449,216, plus strand): 5'-CTGACTGCAGCAGCCCTGTGGAGTGTGACTTCACCAGCCCCGGGGACGAAGGACCCCCCC[G>A]GAGCTACCTCCGCCAGTGGGTGGTCATTCCTCCGCCACTTTCGAGCCCTGGACCCCAGGC-3'
Protein context (NP_851564.1, residues 507-527): FTSPGDEGPP[Arg517Gln]SYLRQWVVIP

ClinVar aggregate classification (germline): Uncertain significance. Review status: criteria provided, multiple submitters, no conflicts (2 of 4 stars). 3 submissions from 3 submitters: Uncertain significance (3). Last evaluated 2023-10-23.

Conditions:
Cryptosporidiosis-chronic cholangitis-liver disease syndrome. Also called: IL21R immunodeficiency; Immunodeficiency type 56. Identifiers: Orphanet 357329, MedGen C3554687, MONDO:0014082, OMIM 615207.
IgE responsiveness, atopic. Also called: IMMUNOGLOBULIN E, BASIC LEVEL OF, IN SERUM. Identifiers: MedGen C1840253, MONDO:0007817, OMIM 147050.

Allele frequency attached by ClinVar (database versions not stated): gnomAD exomes 0.00002 and 0.00007; gnomAD 0.00006 and 0.00007; ExAC 0.00007; TOPMed 0.00007.
gnomAD v4.1: 39 of 1,612,676 alleles (0.0024%); highest among the groups gnomAD compares: African/African-American, 0.016%; no homozygotes.

Submissions (3):

Blueprint Genetics
Classification: Uncertain significance. Last evaluated: 2023-10-23. Review status: criteria provided, single submitter. Criteria: ACMG Guidelines, 2015. Collection method: clinical testing. Allele origin: germline.

Labcorp Genetics (formerly Invitae), Labcorp
Classification: Uncertain significance for Cryptosporidiosis-chronic cholangitis-liver disease syndrome. Last evaluated: 2023-08-14. Review status: criteria provided, single submitter. Criteria: Invitae Variant Classification Sherloc (09022015). Collection method: clinical testing. Allele origin: germline.
Comment: In summary, the available evidence is currently insufficient to determine the role of this variant in disease. Therefore, it has been classified as a Variant of Uncertain Significance. Advanced modeling of protein sequence and biophysical properties (such as structural, functional, and spatial information, amino acid conservation, physicochemical variation, residue mobility, and thermodynamic stability) performed at Invitae indicates that this missense variant is expected to disrupt IL21R protein function. ClinVar contains an entry for this variant (Variation ID: 858671). This variant has not been reported in the literature in individuals affected with IL21R-related conditions. This variant is present in population databases (rs761950657, gnomAD 0.04%). This sequence change replaces arginine, which is basic and polar, with glutamine, which is neutral and polar, at codon 517 of the IL21R protein (p.Arg517Gln).

Fulgent Genetics
Classification: Uncertain significance for IgE responsiveness, atopic; Cryptosporidiosis-chronic cholangitis-liver disease syndrome. Last evaluated: 2022-04-20. Review status: criteria provided, single submitter. Criteria: ACMG Guidelines, 2015. Collection method: clinical testing. Allele origin: unknown.